The following is an entry in ClinVar:

ClinVar aggregate classification (germline): Conflicting classifications of pathogenicity. Review status: criteria provided, conflicting classifications (1 of 4 stars). 2 submissions from 2 submitters: Uncertain significance (1); Likely benign (1). Last evaluated 2024-09-09.

gnomAD v4.1: 302 of 1,609,678 alleles (0.019%); highest among the groups gnomAD compares: Non-Finnish European, 0.023%; no homozygotes.

Submissions (2):

Blueprint Genetics
Classification: Likely benign. Last evaluated: 2024-09-09. Review status: criteria provided, single submitter. Criteria: ACMG Guidelines, 2015. Collection method: clinical testing. Allele origin: germline.

Labcorp Genetics (formerly Invitae), Labcorp
Classification: Uncertain significance. Last evaluated: 2022-10-26. Review status: criteria provided, single submitter. Criteria: Invitae Variant Classification Sherloc (09022015). Collection method: clinical testing. Allele origin: germline.
Comment: This sequence change replaces valine, which is neutral and non-polar, with isoleucine, which is neutral and non-polar, at codon 536 of the C7 protein (p.Val536Ile). This variant is present in population databases (rs200879856, gnomAD 0.02%). This variant has not been reported in the literature in individuals affected with C7-related conditions. ClinVar contains an entry for this variant (Variation ID: 1463719). Advanced modeling of protein sequence and biophysical properties (such as structural, functional, and spatial information, amino acid conservation, physicochemical variation, residue mobility, and thermodynamic stability) performed at Invitae indicates that this missense variant is not expected to disrupt C7 protein function. In summary, the available evidence is currently insufficient to determine the role of this variant in disease. Therefore, it has been classified as a Variant of Uncertain Significance.

NM_000587.4(C7):c.1606G>A (p.Val536Ile)

Gene: C7 (complement C7; plus strand). Cytogenetic location: 5p13.1.
Variant type: single nucleotide variant.
Coding change: c.1606G>A on transcript NM_000587.4 (MANE Select); coding-DNA position 1606, G replaced by A.
Protein change: p.Val536Ile; replaces valine 536 with isoleucine.
Molecular consequence: missense variant.
Genome position (GRCh38, 1-based): chr5:40,959,565, G>A. VCF-style: chr5-40959565-G-A. GRCh37 (hg19) VCF-style: chr5-40959667-G-A.
Other names: short protein forms V536I.
Identifiers: ClinVar variation 1463719 (VCV001463719.4), dbSNP rs200879856, ClinGen allele CA3250028.
Genomic context (GRCh38, chr5:40,959,565, plus strand): 5'-AAGAAAACAAGAAGCCGTGAATGCAATAACCCACCTCCCAGTGGGGGTGGGAGATCCTGC[G>A]TTGGAGAAACGACAGAAAGCACACAATGCGAAGATGAGGAGCTGGAGCACTTGAGGTAAT-3'
Protein context (NP_000578.2, residues 526-546): PPPSGGGRSC[Val536Ile]GETTESTQCE